The following is an entry in ClinVar:

NM_001378454.1(ALMS1):c.6056A>G (p.Tyr2019Cys)

Gene: ALMS1 (ALMS1 centrosome and basal body associated protein; plus strand). Cytogenetic location: 2p13.1.
Variant type: single nucleotide variant.
Coding change: c.6056A>G on transcript NM_001378454.1 (MANE Select); coding-DNA position 6056, A replaced by G.
Protein change: p.Tyr2019Cys; replaces tyrosine 2019 with cysteine.
Molecular consequence: missense variant.
Genome position (GRCh38, 1-based): chr2:73,452,583, A>G. VCF-style: chr2-73452583-A-G. GRCh37 (hg19) VCF-style: chr2-73679710-A-G.
Other names: c.6059A>G, p.Tyr2020Cys (NM_015120.4); short protein forms Y2020C, Y2019C.
Identifiers: ClinVar variation 2140498 (VCV002140498.1), dbSNP rs1340190220, ClinGen allele CA347284644.

ClinVar aggregate classification (germline): Uncertain significance (1 of 4 stars; one submission).

Conditions:
Alstrom syndrome (ALMS). Identifiers: Orphanet 64, MedGen C0268425, MONDO:0008763, OMIM 203800.

Allele frequency attached by ClinVar (database versions not stated): gnomAD 0.00002.
gnomAD v4.1: 4 of 1,613,992 alleles (0.00025%); highest among the groups gnomAD compares: Admixed American, 0.0017%; no homozygotes.

Submission:

Labcorp Genetics (formerly Invitae), Labcorp
Classification: Uncertain significance for Alstrom syndrome. Last evaluated: 2021-12-24. Review status: criteria provided, single submitter. Criteria: Invitae Variant Classification Sherloc (09022015). Collection method: clinical testing. Allele origin: germline.
Comment: This sequence change replaces tyrosine, which is neutral and polar, with cysteine, which is neutral and slightly polar, at codon 2020 of the ALMS1 protein (p.Tyr2020Cys). This variant is present in population databases (no rsID available, gnomAD 0.007%). This variant has not been reported in the literature in individuals affected with ALMS1-related conditions. Algorithms developed to predict the effect of missense changes on protein structure and function output the following: SIFT: "Not Available"; PolyPhen-2: "Not Available"; Align-GVGD: "Not Available". The cysteine amino acid residue is found in multiple mammalian species, which suggests that this missense change does not adversely affect protein function. In summary, the available evidence is currently insufficient to determine the role of this variant in disease. Therefore, it has been classified as a Variant of Uncertain Significance.